The following is an entry in ClinVar:

NM_002519.3(NPAT):c.2030G>C (p.Gly677Ala)

Gene: NPAT (nuclear protein, coactivator of histone transcription; minus strand). Cytogenetic location: 11q22.3.
Variant type: single nucleotide variant.
Coding change: c.2030G>C on transcript NM_002519.3 (MANE Select); coding-DNA position 2030, G replaced by C.
Protein change: p.Gly677Ala; replaces glycine 677 with alanine.
Molecular consequence: missense variant.
Genome position (GRCh38, 1-based): chr11:108,172,954, C>G on the plus strand (G>C on the coding strand, the complement: NPAT is on the minus strand). VCF-style: chr11-108172954-C-G. GRCh37 (hg19) VCF-style: chr11-108043681-C-G.
Other names: c.2030G>C, p.Gly677Ala (NM_001321307.1); short protein forms G677A.
Identifiers: ClinVar variation 3300625 (VCV003300625.1).

ClinVar aggregate classification (germline): Uncertain significance (1 of 4 stars; one submission).

Submission:

Ambry Genetics
Classification: Uncertain significance. Last evaluated: 2024-05-25. Review status: criteria provided, single submitter. Criteria: Ambry Variant Classification Scheme 2023. Collection method: clinical testing. Allele origin: germline.
Comment: The p.G677A variant (also known as c.2030G>C), located in coding exon 13 of the NPAT gene, results from a G to C substitution at nucleotide position 2030. The glycine at codon 677 is replaced by alanine, an amino acid with similar properties. This amino acid position is conserved. In addition, this alteration is predicted to be tolerated by in silico analysis. Based on the available evidence, the clinical significance of this variant remains unclear.